The following is an entry in ClinVar:

ClinVar aggregate classification (germline): Likely pathogenic (1 of 4 stars; one submission).

Conditions:
Cerebral creatine deficiency syndrome. Also called: Creatine deficiency syndromes. Identifiers: Orphanet 79172, MedGen C5244016, MONDO:0000456.

Submission:

Labcorp Genetics (formerly Invitae), Labcorp
Classification: Likely pathogenic for Cerebral creatine deficiency syndrome. Last evaluated: 2020-03-28. Review status: criteria provided, single submitter. Criteria: Invitae Variant Classification Sherloc (09022015). Collection method: clinical testing. Allele origin: germline.
Comment: This variant results in the deletion of part of exon 1 (c.163_181+6del) of the GAMT gene. It is expected to disrupt RNA splicing and likely results in an absent or disrupted protein product. The frequency data for this variant in the population databases is considered unreliable, as metrics indicate insufficient coverage at this position in the ExAC database. This variant has not been reported in the literature in individuals with GAMT-related conditions. Algorithms developed to predict the effect of sequence changes on RNA splicing suggest that this variant may disrupt the consensus splice site, but this prediction has not been confirmed by published transcriptional studies. Loss-of-function variants in GAMT are known to be pathogenic (PMID: 15108290). In summary, the currently available evidence indicates that the variant is pathogenic, but additional data are needed to prove that conclusively. Therefore, this variant has been classified as Likely Pathogenic.

Literature cited by the submitters: PubMed 15108290.

NM_000156.6(GAMT):c.163_181+6del

Genes: GAMT (guanidinoacetate N-methyltransferase; minus strand), LOC130062945 (ATAC-STARR-seq lymphoblastoid silent region 9707; plus strand). Cytogenetic location: 19p13.3.
Variant type: Deletion.
Coding change: c.163_181+6del on transcript NM_000156.6 (MANE Select); coding-DNA position 163 through 6 bases into the intron after coding-DNA position 181, 25 bases deleted (GCCGCCGCCTCCTCCAAAGGTAGCC).
Molecular consequence: splice donor variant.
Genome position (GRCh38, 1-based): chr19:1,401,290-1,401,314, GGCTACCTTTGGAGGAGGCGGCGGC deleted on the plus strand (GCCGCCGCCTCCTCCAAAGGTAGCC on the coding strand, the reverse complement: GAMT is on the minus strand); deleting any 25 consecutive bases within chr19:1,401,290-1,401,317 gives the same sequence; the c. name uses the placement nearest the transcript's 3' end. VCF-style (leftmost placement, unchanged base first): chr19-1401289-GGGCTACCTTTGGAGGAGGCGGCGGC-G. GRCh37 (hg19) VCF-style: chr19-1401288-GGGCTACCTTTGGAGGAGGCGGCGGC-G.
Other names: c.163_181+6del (NM_138924.3).
Identifiers: ClinVar variation 1068105 (VCV001068105.7), dbSNP rs2144640856, ClinGen allele CA2499225409.
Genomic context (GRCh38, chr19:1,401,289, plus strand): 5'-GTCGGGGCAGCCCCGGCCTCAGTTTCCCCTGCGCCCCCGGGGGCGGTGCAGGCCGGGCGG[GGGCTACCTTTGGAGGAGGCGGCGGC>G]GGCCAGCGCGTGCATATAGGGGGTCTCCCAGCGCTCCATCACCGGCTTGCCCAGGATGCG-3'